The following is an entry in ClinVar:

ClinVar aggregate classification (germline): Uncertain significance (1 of 4 stars; one submission).

gnomAD v4.1: 4 of 1,612,054 alleles (0.00025%); highest among the groups gnomAD compares: Admixed American, 0.005%; no homozygotes.

Submission:

Labcorp Genetics (formerly Invitae), Labcorp
Classification: Uncertain significance. Last evaluated: 2024-08-12. Review status: criteria provided, single submitter. Criteria: Invitae Variant Classification Sherloc (09022015). Collection method: clinical testing. Allele origin: germline.
Comment: This sequence change replaces arginine, which is basic and polar, with proline, which is neutral and non-polar, at codon 214 of the MICAL1 protein (p.Arg214Pro). This variant is present in population databases (no rsID available, gnomAD 0.006%). This variant has not been reported in the literature in individuals affected with MICAL1-related conditions. ClinVar contains an entry for this variant (Variation ID: 1937374). An algorithm developed to predict the effect of missense changes on protein structure and function (PolyPhen-2) suggests that this variant is likely to be disruptive. In summary, the available evidence is currently insufficient to determine the role of this variant in disease. Therefore, it has been classified as a Variant of Uncertain Significance.

NM_022765.4(MICAL1):c.584G>C (p.Arg195Pro)

Gene: MICAL1 (microtubule associated monooxygenase, calponin and LIM domain containing 1; minus strand). Cytogenetic location: 6q21.
Variant type: single nucleotide variant.
Coding change: c.584G>C on transcript NM_022765.4 (MANE Select); coding-DNA position 584, G replaced by C.
Protein change: p.Arg195Pro; replaces arginine 195 with proline.
Molecular consequence: missense variant.
Genome position (GRCh38, 1-based): chr6:109,452,603, C>G on the plus strand (G>C on the coding strand, the complement: MICAL1 is on the minus strand). VCF-style: chr6-109452603-C-G. GRCh37 (hg19) VCF-style: chr6-109773806-C-G.
Other names: c.584G>C, p.Arg195Pro (NM_001159291.2); c.641G>C, p.Arg214Pro (NM_001286613.2); short protein forms R195P, R214P.
Identifiers: ClinVar variation 1937374 (VCV001937374.5), dbSNP rs34699467, ClinGen allele CA365232991.
Genomic context (GRCh38, chr6:109,452,603, plus strand): 5'-ATAAGGACGTCAAATTCATAGTTGGCCAGCTGGGCAGGGGGGTTGGGTTGGAGCTGGGCA[C>G]GCCAGCCACTCCCTAGGGCAGGGGGTATGAGAGGCACAAAGGTGTAGAAGTCGTAAGAGC-3'
Protein context (NP_073602.3, residues 185-205): QPPPRKGSGW[Arg195Pro]AQLQPNPPAQ